The following is an entry in ClinVar:

NM_004974.4(KCNA2):c.1214C>T (p.Pro405Leu)

Gene: KCNA2 (potassium voltage-gated channel subfamily A member 2; minus strand). Cytogenetic location: 1p13.3.
Variant type: single nucleotide variant.
Coding change: c.1214C>T on transcript NM_004974.4 (MANE Select); coding-DNA position 1214, C replaced by T.
Protein change: p.Pro405Leu; replaces proline 405 with leucine.
Molecular consequence: missense variant. On other transcripts: intron variant (1).
Genome position (GRCh38, 1-based): chr1:110,603,569, G>A on the plus strand (C>T on the coding strand, the complement: KCNA2 is on the minus strand). VCF-style: chr1-110603569-G-A. GRCh37 (hg19) VCF-style: chr1-111146191-G-A.
Other names: c.894+320C>T (NM_001204269.2); short protein forms P405L.
Identifiers: ClinVar variation 190325 (VCV000190325.68), dbSNP rs876657389, ClinGen allele CA10575700.

ClinVar aggregate classification (germline): Pathogenic/Likely pathogenic. Review status: criteria provided, multiple submitters, no conflicts (2 of 4 stars). 17 submissions from 15 submitters: Pathogenic (13); Likely pathogenic (1). 3 of the submissions do not count toward it. Last evaluated 2026-02-23.

Conditions:
KCNA2-related disorder. Also called: KCNA2-related condition.
Developmental and epileptic encephalopathy, 32 (DEE32). Also called: Epileptic encephalopathy, early infantile, 32. Identifiers: Orphanet 442835, MedGen C4225350, MONDO:0014607, OMIM 616366.
Inborn genetic diseases. Identifiers: MedGen C0950123, MeSH D030342.
Epilepsy. Also called: Seizure disorder. Identifiers: MedGen C0014544, MeSH D004827, MONDO:0005027.
Seizure. Also called: Seizures. Identifiers: MedGen C0036572, HP:0001250.

Submissions (17):

Cytogénomique, Hospices Civils de Lyon
Classification: Pathogenic for Epilepsy. Last evaluated: 2026-02-23. Review status: criteria provided, single submitter. Criteria: ACMG Guidelines, 2015. Collection method: clinical testing. Allele origin: germline. Affected: yes.

Labcorp Genetics (formerly Invitae), Labcorp
Classification: Pathogenic for Developmental and epileptic encephalopathy, 32. Last evaluated: 2024-12-02. Review status: criteria provided, single submitter. Criteria: Invitae Variant Classification Sherloc (09022015). Collection method: clinical testing. Allele origin: germline.
Comment: This sequence change replaces proline, which is neutral and non-polar, with leucine, which is neutral and non-polar, at codon 405 of the KCNA2 protein (p.Pro405Leu). This variant is not present in population databases (gnomAD no frequency). This missense change has been observed in individual(s) with epileptic encephalopathy (PMID: 25751627). In at least one individual the variant was observed to be de novo. ClinVar contains an entry for this variant (Variation ID: 190325). Invitae Evidence Modeling of protein sequence and biophysical properties (such as structural, functional, and spatial information, amino acid conservation, physicochemical variation, residue mobility, and thermodynamic stability) has been performed for this missense variant. However, the output from this modeling did not meet the statistical confidence thresholds required to predict the impact of this variant on KCNA2 protein function. Experimental studies have shown that this missense change affects KCNA2 function (PMID: 25751627). For these reasons, this variant has been classified as Pathogenic.

Division of Genetic & Genomic Pathology, Hong Kong Children's Hospital
Classification: Pathogenic for Developmental and epileptic encephalopathy, 32. Last evaluated: 2024-04-19. Review status: criteria provided, single submitter. Criteria: ACMG Guidelines, 2015. Collection method: clinical testing. Allele origin: somatic. Affected: yes.
Comment: The missense variant KCNA2 c.1214C>T p.(Pro405Leu) in exon 3 is located in the pore region S6 of the KV1.2 potassium channel. The variant is absent from control populations (gnomAD v2.1.1 and v4.0.0). In-silico predictions suggest that this variant is deleterious (REVEL score 0.977). Functional study suggested p.Pro405Leu results in loss of channel function with a dominant-negative effect on wild-type KV1.2 channels (PMID: 25751627). The variant has been reported in multiple patients with epilepsy or DEE (PMID: 25751627, 29050392, 28806589, 30182498, 36482122), and has been deposited in ClinVar as (likely) pathogenic (accession no.: VCV000190325.40). The variant is a mosaic variant. The variant was NOT detected in both parents. For these reasons, this variant is classified as pathogenic.

Genomic Medicine Center of Excellence, King Faisal Specialist Hospital and Research Centre
Classification: Pathogenic for Developmental and epileptic encephalopathy, 32. Last evaluated: 2024-03-14. Review status: criteria provided, single submitter. Criteria: ACMG Guidelines, 2015. Collection method: research. Allele origin: germline.

Blueprint Genetics
Classification: Pathogenic for KCNA2-related disorders. Last evaluated: 2024-02-20. Review status: criteria provided, single submitter. Criteria: ACMG Guidelines, 2015. Collection method: clinical testing. Allele origin: germline. Affected: yes. Observed: 3 variant alleles.

Cytogénomique, Hospices Civils de Lyon
Classification: Pathogenic for Seizures. Last evaluated: 2023-12-27. Review status: criteria provided, single submitter. Criteria: ACMG Guidelines, 2015. Collection method: clinical testing. Allele origin: unknown. Affected: yes. Observed: 1 variant allele, 1 compound heterozygote.

Revvity Omics, Revvity
Classification: Pathogenic for Developmental and epileptic encephalopathy, 32. Last evaluated: 2023-01-10. Review status: criteria provided, single submitter. Criteria: ACMG Guidelines, 2015. Collection method: clinical testing. Allele origin: germline.

GeneDx
Classification: Pathogenic. Last evaluated: 2021-11-17. Review status: criteria provided, single submitter. Criteria: GeneDx Variant Classification Process June 2021. Collection method: clinical testing. Allele origin: germline. Affected: yes.
Comment: Published functional study demonstrates loss of channel function through a dominant negative effect (Syrbe et al., 2015); Not observed at significant frequency in large population cohorts (Lek et al., 2016); In silico analysis supports that this missense variant has a deleterious effect on protein structure/function; This variant is associated with the following publications: (PMID: 25997620, 30182498, 29050392, 28600779, 28806589, 30055040, 28488083, 29895856, 27864847, 33232902, 33802230, 33355533, 34576077, 31932120, 25751627)

CeGaT Center for Human Genetics Tuebingen
Classification: Pathogenic. Last evaluated: 2021-09-01. Review status: criteria provided, single submitter. Criteria: CeGaT Center For Human Genetics Tuebingen Variant Classification Criteria Version 2. Collection method: clinical testing. Allele origin: germline. Affected: yes. Observed: 3 variant alleles.

Ambry Genetics
Classification: Pathogenic for Inborn genetic diseases. Last evaluated: 2021-06-30. Review status: criteria provided, single submitter. Criteria: Ambry Variant Classification Scheme 2023. Collection method: clinical testing. Allele origin: germline.
Comment: The c.1214C>T (p.P405L) alteration is located in exon 3 (coding exon 1) of the KCNA2 gene. This alteration results from a C to T substitution at nucleotide position 1214, causing the proline (P) at amino acid position 405 to be replaced by a leucine (L). Based on data from the Genome Aggregation Database (gnomAD), the KCNA2 c.1214C>T alteration was not observed, with coverage at this position. This alteration has been reported in multiple unrelated patients with epileptic encephalopathy and is the most common recurrent variant in KCNA2 (Syrbe, 2015; Masnada, 2017; Sachdev, 2017; Miao, 2018; Gong, 2020). This amino acid position is highly conserved in available vertebrate species. Functional characterization of the P405L alteration with a voltage-clamp oocyte testing system found a dramatic reduction of current amplitudes with a dominant negative effect (Syrbe, 2015). The p.P405L alteration is predicted to be deleterious by in silico analysis. Based on the available evidence, this alteration is classified as pathogenic.

Institute of Human Genetics, University of Leipzig Medical Center
Classification: Likely pathogenic for Developmental and epileptic encephalopathy, 32. Last evaluated: 2021-06-16. Review status: criteria provided, single submitter. Criteria: ACMG Guidelines, 2015. Collection method: clinical testing. Allele origin: unknown. Affected: yes.

Institute of Medical Genetics and Applied Genomics, University Hospital Tübingen
Classification: Pathogenic. Last evaluated: 2020-10-23. Review status: criteria provided, single submitter. Criteria: ACMG Guidelines, 2015. Collection method: clinical testing. Allele origin: germline. Inheritance: Unknown mechanism. Affected: yes.

Cytogénomique, Hospices Civils de Lyon
Classification: Pathogenic for Developmental and epileptic encephalopathy, 32. Last evaluated: 2017-08-09. Review status: criteria provided, single submitter. Criteria: ACMG Guidelines, 2015. Collection method: clinical testing. Allele origin: de novo. Inheritance: Autosomal dominant inheritance. Affected: yes.

Imagene.me medical diagnostic laboratory, IMAGENE.ME SA
Classification: Pathogenic for Developmental and epileptic encephalopathy, 32. Review status: criteria provided, single submitter. Criteria: IMAGENE.ME Variant Classification SOP 2022. Collection method: clinical testing. Allele origin: de novo. Affected: yes.
Comment: Classified according to the IMAGENE.ME variant classification SOP based on the ACMG guidelines as Pathogenic (P): PS2 + PS3_Supporting + PS4 + PM1 + PM2 + PP2 + PP3_Moderate + PP4 + PP5

Biochemical Molecular Genetic Laboratory, King Abdulaziz Medical City
Classification: Pathogenic for Developmental and epileptic encephalopathy, 32. Last evaluated: 2019-01-29. Review status: no assertion criteria provided. Collection method: clinical testing. Allele origin: germline. Affected: yes. Not counted in ClinVar's aggregate classification.

Laboratory of Molecular Genetics (Pr. Bezieau's lab), CHU de Nantes
Classification: Pathogenic. Last evaluated: 2017-06-07. Review status: no assertion criteria provided. Collection method: clinical testing. Allele origin: germline. Affected: yes. Not counted in ClinVar's aggregate classification.

OMIM
Classification: Pathogenic for DEVELOPMENTAL AND EPILEPTIC ENCEPHALOPATHY 32. Last evaluated: 2015-04-01. Review status: no assertion criteria provided. Collection method: literature only. Allele origin: germline. Not counted in ClinVar's aggregate classification.

Literature cited by the submitters: PubMed 25751627 (cited by 5 submitters); PubMed 29050392 (cited by Division of Genetic & Genomic Pathology, Hong Kong Children's Hospital and Ambry Genetics); PubMed 28806589 (cited by Division of Genetic & Genomic Pathology, Hong Kong Children's Hospital and Ambry Genetics); PubMed 30182498 (cited by Division of Genetic & Genomic Pathology, Hong Kong Children's Hospital and Ambry Genetics); PubMed 36482122 (cited by Division of Genetic & Genomic Pathology, Hong Kong Children's Hospital); PubMed 33232902 (cited by Ambry Genetics).